The following is an entry in ClinVar:

NM_000081.4(LYST):c.9232C>T (p.Arg3078Cys)

Gene: LYST (lysosomal trafficking regulator; minus strand). Cytogenetic location: 1q42.3.
Variant type: single nucleotide variant.
Coding change: c.9232C>T on transcript NM_000081.4 (MANE Select); coding-DNA position 9232, C replaced by T.
Protein change: p.Arg3078Cys; replaces arginine 3078 with cysteine.
Molecular consequence: missense variant.
Genome position (GRCh38, 1-based): chr1:235,724,111, G>A on the plus strand (C>T on the coding strand, the complement: LYST is on the minus strand). VCF-style: chr1-235724111-G-A. GRCh37 (hg19) VCF-style: chr1-235887411-G-A.
Other names: c.9232C>T, p.Arg3078Cys (NM_001301365.1); short protein forms R3078C.
Identifiers: ClinVar variation 1385840 (VCV001385840.5), dbSNP rs1663633297, ClinGen allele CA344945531.

ClinVar aggregate classification (germline): Uncertain significance (1 of 4 stars; one submission).

Conditions:
Chédiak-Higashi syndrome (CHS). Also called: Chediak-Higashi Syndrome. Identifiers: Orphanet 167, MedGen C0007965, MONDO:0008963, OMIM 214500.

Allele frequency attached by ClinVar (database versions not stated): gnomAD exomes below 0.00001; TOPMed below 0.00001; gnomAD 0.00001.
gnomAD v4.1: 2 of 1,612,964 alleles (0.00012%); highest among the groups gnomAD compares: African/African-American, 0.0013%; no homozygotes.

Submission:

Labcorp Genetics (formerly Invitae), Labcorp
Classification: Uncertain significance for Chédiak-Higashi syndrome. Last evaluated: 2022-08-10. Review status: criteria provided, single submitter. Criteria: Invitae Variant Classification Sherloc (09022015). Collection method: clinical testing. Allele origin: germline.
Comment: This sequence change replaces arginine, which is basic and polar, with cysteine, which is neutral and slightly polar, at codon 3078 of the LYST protein (p.Arg3078Cys). This variant is not present in population databases (gnomAD no frequency). This variant has not been reported in the literature in individuals affected with LYST-related conditions. ClinVar contains an entry for this variant (Variation ID: 1385840). Algorithms developed to predict the effect of missense changes on protein structure and function are either unavailable or do not agree on the potential impact of this missense change (SIFT: "Deleterious"; PolyPhen-2: "Probably Damaging"; Align-GVGD: "Class C0"). In summary, the available evidence is currently insufficient to determine the role of this variant in disease. Therefore, it has been classified as a Variant of Uncertain Significance.